The following is an entry in ClinVar:

NM_000152.5(GAA):c.593C>T (p.Pro198Leu)

Gene: GAA (alpha glucosidase; plus strand). Cytogenetic location: 17q25.3.
Variant type: single nucleotide variant.
Coding change: c.593C>T on transcript NM_000152.5 (MANE Select); coding-DNA position 593, C replaced by T.
Protein change: p.Pro198Leu; replaces proline 198 with leucine.
Molecular consequence: missense variant.
Genome position (GRCh38, 1-based): chr17:80,105,795, C>T. VCF-style: chr17-80105795-C-T. GRCh37 (hg19) VCF-style: chr17-78079594-C-T.
Other names: c.593C>T, p.Pro198Leu (NM_001079803.3, NM_001079804.3, NM_001406741.1 and 1 more transcripts); short protein forms P198L.
Identifiers: ClinVar variation 1983969 (VCV001983969.2), dbSNP rs765075888, ClinGen allele CA8814937.

ClinVar aggregate classification (germline): Uncertain significance. Review status: criteria provided, multiple submitters, no conflicts (2 of 4 stars). 2 submissions from 2 submitters: Uncertain significance (2). Last evaluated 2024-06-10.

Conditions:
Glycogen storage disease, type II (IOPD). Also called: GLYCOGENOSIS, GENERALIZED, CARDIAC FORM; GSD II; CARDIOMEGALIA GLYCOGENICA DIFFUSA; GLYCOGEN STORAGE DISEASE II, INFANTILE-ONSET; ACID ALPHA-GLUCOSIDASE DEFICIENCY, INFANTILE-ONSET; GAA DEFICIENCY, INFANTILE-ONSET. Identifiers: Orphanet 365, MedGen C0017921, MONDO:0009290, OMIM 232300.

Allele frequency attached by ClinVar (database versions not stated): ExAC 0.00002.
gnomAD v4.1: 17 of 1,611,924 alleles (0.0011%); highest among the groups gnomAD compares: South Asian, 0.013%; no homozygotes.

Submissions (2):

Blueprint Genetics
Classification: Uncertain significance. Last evaluated: 2024-06-10. Review status: criteria provided, single submitter. Criteria: ACMG Guidelines, 2015. Collection method: clinical testing. Allele origin: germline.

Labcorp Genetics (formerly Invitae), Labcorp
Classification: Uncertain significance for Glycogen storage disease, type II. Last evaluated: 2022-01-06. Review status: criteria provided, single submitter. Criteria: Invitae Variant Classification Sherloc (09022015). Collection method: clinical testing. Allele origin: germline.
Comment: This sequence change replaces proline, which is neutral and non-polar, with leucine, which is neutral and non-polar, at codon 198 of the GAA protein (p.Pro198Leu). This variant is present in population databases (rs765075888, gnomAD 0.01%). This variant has not been reported in the literature in individuals affected with GAA-related conditions. Advanced modeling of protein sequence and biophysical properties (such as structural, functional, and spatial information, amino acid conservation, physicochemical variation, residue mobility, and thermodynamic stability) performed at Invitae indicates that this missense variant is not expected to disrupt GAA protein function. In summary, the available evidence is currently insufficient to determine the role of this variant in disease. Therefore, it has been classified as a Variant of Uncertain Significance.